The following is an entry in ClinVar:

ClinVar aggregate classification (germline): Uncertain significance (1 of 4 stars; one submission).

Conditions:
Myopathy, proximal, and ophthalmoplegia (CMYO6). Also called: MYOPATHY WITH CONGENITAL JOINT CONTRACTURES, OPHTHALMOPLEGIA, AND RIMMED VACUOLES; INCLUSION BODY MYOPATHY 3, AUTOSOMAL DOMINANT; CONGENITAL MYOPATHY 6 WITH OPHTHALMOPLEGIA. Identifiers: Orphanet 363677, Orphanet 79091, MedGen C1854106, MONDO:0011577, OMIM 605637.

Allele frequency attached by ClinVar (database versions not stated): gnomAD 0.00001; gnomAD exomes 0.00001 and 0.00003; TOPMed 0.00001; ExAC 0.00002.
gnomAD v4.1: 12 of 1,614,020 alleles (0.00074%); highest among the groups gnomAD compares: Admixed American, 0.0067%; no homozygotes.

Submission:

Labcorp Genetics (formerly Invitae), Labcorp
Classification: Uncertain significance for Myopathy, proximal, and ophthalmoplegia. Last evaluated: 2023-11-14. Review status: criteria provided, single submitter. Criteria: Invitae Variant Classification Sherloc (09022015). Collection method: clinical testing. Allele origin: germline.
Comment: This sequence change replaces arginine, which is basic and polar, with glutamine, which is neutral and polar, at codon 144 of the MYH2 protein (p.Arg144Gln). This variant is present in population databases (rs773318939, gnomAD 0.01%). This variant has not been reported in the literature in individuals affected with MYH2-related conditions. ClinVar contains an entry for this variant (Variation ID: 1381403). Advanced modeling of protein sequence and biophysical properties (such as structural, functional, and spatial information, amino acid conservation, physicochemical variation, residue mobility, and thermodynamic stability) has been performed at Invitae for this missense variant, however the output from this modeling did not meet the statistical confidence thresholds required to predict the impact of this variant on MYH2 protein function. In summary, the available evidence is currently insufficient to determine the role of this variant in disease. Therefore, it has been classified as a Variant of Uncertain Significance.

NM_017534.6(MYH2):c.431G>A (p.Arg144Gln)

Genes: MYHAS (myosin heavy chain gene cluster antisense RNA; plus strand), MYH2 (myosin heavy chain 2; minus strand). Cytogenetic location: 17p13.1.
Variant type: single nucleotide variant.
Coding change: c.431G>A on transcript NM_017534.6 (MANE Select); coding-DNA position 431, G replaced by A.
Protein change: p.Arg144Gln; replaces arginine 144 with glutamine.
Molecular consequence: missense variant.
Genome position (GRCh38, 1-based): chr17:10,545,420, C>T on the plus strand (G>A on the coding strand, the complement: MYH2 is on the minus strand). VCF-style: chr17-10545420-C-T. GRCh37 (hg19) VCF-style: chr17-10448737-C-T.
Other names: c.431G>A, p.Arg144Gln (NM_001100112.2); short protein forms R144Q.
Identifiers: ClinVar variation 1381403 (VCV001381403.6), dbSNP rs773318939, ClinGen allele CA8391645.